The following is an entry in ClinVar:

NM_001003787.4(STRADA):c.848C>T (p.Pro283Leu)

Gene: STRADA (STE20 related adaptor alpha; minus strand). Cytogenetic location: 17q23.3.
Variant type: single nucleotide variant.
Coding change: c.848C>T on transcript NM_001003787.4 (MANE Select); coding-DNA position 848, C replaced by T.
Protein change: p.Pro283Leu; replaces proline 283 with leucine.
Molecular consequence: missense variant. On other transcripts: non-coding transcript variant (1).
Genome position (GRCh38, 1-based): chr17:63,706,645, G>A on the plus strand (C>T on the coding strand, the complement: STRADA is on the minus strand). VCF-style: chr17-63706645-G-A. GRCh37 (hg19) VCF-style: chr17-61784005-G-A.
Other names: c.737C>T, p.Pro246Leu (NM_001003786.3, NM_001363789.1, NM_153335.6); c.674C>T, p.Pro225Leu (NM_001003788.3, NM_001363790.1, NM_001363791.1); c.761C>T, p.Pro254Leu (NM_001165969.2, NM_001363787.1); c.716C>T, p.Pro239Leu (NM_001165970.2); c.824C>T, p.Pro275Leu (NM_001363786.1); c.848C>T, p.Pro283Leu (NM_001363788.1); short protein forms P225L, P246L, P254L, P239L, P275L, P283L.
Identifiers: ClinVar variation 946907 (VCV000946907.9), dbSNP rs767048572, ClinGen allele CA8703272.

ClinVar aggregate classification (germline): Uncertain significance. Review status: criteria provided, multiple submitters, no conflicts (2 of 4 stars). 2 submissions from 2 submitters: Uncertain significance (2). Last evaluated 2022-07-22.

Conditions:
Polyhydramnios, megalencephaly, and symptomatic epilepsy (PMSE). Also called: PMSE SYNDROME. Identifiers: Orphanet 500533, MedGen C1970203, MONDO:0012611, OMIM 611087.

Allele frequency attached by ClinVar (database versions not stated): gnomAD 0.00001; TOPMed 0.00001; ExAC 0.00002; gnomAD exomes 0.00002.
gnomAD v4.1: 15 of 1,612,830 alleles (0.00093%); highest among the groups gnomAD compares: Non-Finnish European, 0.0013%; no homozygotes.

Submissions (2):

Center for Genomics, Ann and Robert H. Lurie Children's Hospital of Chicago
Classification: Uncertain significance for Polyhydramnios, megalencephaly, and symptomatic epilepsy. Last evaluated: 2022-07-22. Review status: criteria provided, single submitter. Criteria: ACMG Guidelines, 2015. Collection method: clinical testing. Allele origin: germline.
Comment: This variant has not been reported in the literature but is present in the Genome Aggregation Database (Highest reported MAF 0.001% (1/68054). This variant is present in ClinVar (Variation ID:152232). Evolutionary conservation and computational predictive tools suggests that this variant may impact the protein. In summary, data on this variant is insufficient for disease classification. Therefore, the clinical significance of this variant is uncertain.

Labcorp Genetics (formerly Invitae), Labcorp
Classification: Uncertain significance for Polyhydramnios, megalencephaly, and symptomatic epilepsy. Last evaluated: 2022-03-03. Review status: criteria provided, single submitter. Criteria: Invitae Variant Classification Sherloc (09022015). Collection method: clinical testing. Allele origin: germline.
Comment: In summary, the available evidence is currently insufficient to determine the role of this variant in disease. Therefore, it has been classified as a Variant of Uncertain Significance. This variant has not been reported in the literature in individuals affected with STRADA-related conditions. ClinVar contains an entry for this variant (Variation ID: 946907). Algorithms developed to predict the effect of missense changes on protein structure and function are either unavailable or do not agree on the potential impact of this missense change (SIFT: "Deleterious"; PolyPhen-2: "Probably Damaging"; Align-GVGD: "Class C0"). This variant is present in population databases (rs767048572, gnomAD 0.003%). This sequence change replaces proline, which is neutral and non-polar, with leucine, which is neutral and non-polar, at codon 283 of the STRADA protein (p.Pro283Leu).